The following is an entry in ClinVar:

NC_012920.1(MT-CYB):m.15228T>C

Gene: MT-CYB (mitochondrially encoded cytochrome b; plus strand).
Variant type: single nucleotide variant.
Genome position: chrM-15228-T-C.
Identifiers: ClinVar variation 693846 (VCV000693846.1), dbSNP rs1603225161, ClinGen allele CA913173296.

ClinVar aggregate classification (germline): Uncertain significance (1 of 4 stars; one submission).

Conditions:
Leigh syndrome (NULS). Also called: Leigh's necrotizing encephalopathy; Leigh's disease; Leigh's syndrome; LEIGH SYNDROME, NUCLEAR; Leigh Syndrome (mtDNA deletion); Leigh Disease. Identifiers: Orphanet 506, MedGen C2931891, MONDO:0009723, OMIM 256000.

Submission:

Wong Mito Lab, Molecular and Human Genetics, Baylor College of Medicine
Classification: Uncertain significance for Leigh syndrome. Last evaluated: 2019-10-17. Review status: criteria provided, single submitter. Criteria: Modified ACMG Guidelines (Unpublished). Collection method: clinical testing. Allele origin: germline.
Comment: The NC_012920.1:m.15228T>C (YP_003024038.1:p.Val161Ala) variant in MTCYB gene is interpretated to be a Uncertain Significance variant based on the modified ACMG guidelines (unpublished). This variant meets the following evidence codes: PP6, PP7